The following is an entry in ClinVar:

NM_138370.3(PKDCC):c.1206G>A (p.Thr402=)

Gene: PKDCC (protein kinase domain containing, cytoplasmic; plus strand). Cytogenetic location: 2p21.
Variant type: single nucleotide variant.
Coding change: c.1206G>A on transcript NM_138370.3 (MANE Select); coding-DNA position 1206, G replaced by A.
Protein change: p.Thr402=; no amino-acid change (threonine 402 retained).
Molecular consequence: synonymous variant.
Genome position (GRCh38, 1-based): chr2:42,055,377, G>A. VCF-style: chr2-42055377-G-A. GRCh37 (hg19) VCF-style: chr2-42282517-G-A.
Identifiers: ClinVar variation 2724534 (VCV002724534.4), dbSNP rs374897238, ClinGen allele CA425736677.

ClinVar aggregate classification (germline): Likely benign. Review status: criteria provided, multiple submitters, no conflicts (2 of 4 stars). 2 submissions from 2 submitters: Likely benign (2). Last evaluated 2026-09-01.

Submissions (2):

CeGaT Center for Human Genetics Tuebingen
Classification: Likely benign. Last evaluated: 2026-09-01. Review status: criteria provided, single submitter. Criteria: CeGaT Center For Human Genetics Tuebingen Variant Classification Criteria Version 2. Collection method: clinical testing. Allele origin: germline. Affected: yes. Observed: 1 variant allele.
Comment: PKDCC: BP4, BP7

Labcorp Genetics (formerly Invitae), Labcorp
Classification: Likely benign. Last evaluated: 2024-01-11. Review status: criteria provided, single submitter. Criteria: Invitae Variant Classification Sherloc (09022015). Collection method: clinical testing. Allele origin: germline.